The following is an entry in ClinVar:

ClinVar aggregate classification (germline): Pathogenic (1 of 4 stars; one submission).

Conditions:
Multiple congenital exostosis (EXT). Also called: Hereditary multiple osteochondromas; MULTIPLE CARTILAGINOUS EXOSTOSES; Multiple exostoses; Hereditary multiple exostoses; Hereditary multiple exostosis; Multiple osteochondromas. Identifiers: Orphanet 321, MedGen C0015306, MONDO:0005508, HP:0002762.

Submission:

Labcorp Genetics (formerly Invitae), Labcorp
Classification: Pathogenic for Multiple congenital exostosis. Last evaluated: 2020-12-04. Review status: criteria provided, single submitter. Criteria: Invitae Variant Classification Sherloc (09022015). Collection method: clinical testing. Allele origin: germline.
Comment: For these reasons, this variant has been classified as Pathogenic. This variant has not been reported in the literature in individuals with EXT1-related conditions. This variant is not present in population databases (ExAC no frequency). This sequence change creates a premature translational stop signal (p.Met359Ilefs*12) in the EXT1 gene. It is expected to result in an absent or disrupted protein product. Loss-of-function variants in EXT1 are known to be pathogenic (PMID: 10679937, 11391482, 19810120).

Literature cited by the submitters: PubMed 10679937; PubMed 11391482; PubMed 19810120.

NM_000127.3(EXT1):c.1076dup (p.Met359fs)

Gene: EXT1 (exostosin glycosyltransferase 1; minus strand). Cytogenetic location: 8q24.11.
Variant type: Duplication.
Coding change: c.1076dup on transcript NM_000127.3 (MANE Select); coding-DNA position 1076, one base duplicated (T; older notation c.1076dupT).
Protein change: p.Met359fs; shifts the reading frame from methionine 359.
Molecular consequence: frameshift variant.
Genome position (GRCh38, 1-based): chr8:117,835,532, A duplicated on the plus strand (T on the coding strand, the reverse complement: EXT1 is on the minus strand). VCF-style (leftmost placement, unchanged base first): chr8-117835531-C-CA. GRCh37 (hg19) VCF-style: chr8-118847770-C-CA.
Other names: short protein forms M359fs.
Identifiers: ClinVar variation 1372124 (VCV001372124.6), dbSNP rs2129786574, ClinGen allele CA2573142838.